The following is an entry in ClinVar:

ClinVar aggregate classification (germline): Conflicting classifications of pathogenicity. Review status: criteria provided, conflicting classifications (1 of 4 stars). 9 submissions from 9 submitters: Uncertain significance (5); Likely benign (1). 3 of the submissions do not count toward it. Last evaluated 2026-01-15.

Conditions:
BLM-related disorder. Also called: BLM-related condition.
Hereditary cancer-predisposing syndrome. Also called: Hereditary neoplastic syndrome; Hereditary Cancer Syndrome; Neoplastic Syndromes, Hereditary; Tumor predisposition. Identifiers: Orphanet 140162, MedGen C0027672, MeSH D009386, MONDO:0015356.
Bloom syndrome (BLM). Also called: Bloom-Torre-Machacek syndrome. Identifiers: Orphanet 125, MedGen C0005859, MONDO:0008876, OMIM 210900.

Allele frequency attached by ClinVar (database versions not stated): gnomAD 0.00001; gnomAD exomes 0.00001 and 0.00006; TOPMed 0.00004; ExAC 0.00007.

Submissions (9):

Labcorp Genetics (formerly Invitae), Labcorp
Classification: Likely benign for Bloom syndrome. Last evaluated: 2026-01-15. Review status: criteria provided, single submitter. Criteria: Invitae Variant Classification Sherloc (09022015). Collection method: clinical testing. Allele origin: germline.

Quest Diagnostics Nichols Institute San Juan Capistrano
Classification: Uncertain significance. Last evaluated: 2025-03-05. Review status: criteria provided, single submitter. Criteria: Quest Diagnostics criteria. Collection method: clinical testing. Allele origin: unknown.
Comment: The BLM c.3210+4A>G variant has not been reported in individuals with BLM-related conditions in the published literature. The frequency of this variant in the general population (Genome Aggregation Database) is uninformative in the assessment of its pathogenicity. Analysis of this variant using software algorithms for the prediction of the effect of nucleotide changes on splicing yielded predictions that this variant does not affect BLM mRNA splicing. Based on the available information, we are unable to determine the clinical significance of this variant.

Fulgent Genetics
Classification: Uncertain significance for Bloom syndrome. Last evaluated: 2024-01-23. Review status: criteria provided, single submitter. Criteria: ACMG Guidelines, 2015. Collection method: clinical testing. Allele origin: germline.

Ambry Genetics
Classification: Uncertain significance for Hereditary cancer-predisposing syndrome. Last evaluated: 2023-07-03. Review status: criteria provided, single submitter. Criteria: Ambry Variant Classification Scheme 2023. Collection method: clinical testing. Allele origin: germline.
Comment: The c.3210+4A>G intronic variant results from an A to G substitution 4 nucleotides after coding exon 15 in the BLM gene. This nucleotide position is well conserved in available vertebrate species. In silico splice site analysis predicts that this alteration may weaken the native splice donor site. Since supporting evidence is limited at this time, the clinical significance of this alteration remains unclear.

GeneDx
Classification: Uncertain significance. Last evaluated: 2023-02-06. Review status: criteria provided, single submitter. Criteria: GeneDx Variant Classification Process June 2021. Collection method: clinical testing. Allele origin: germline. Affected: yes.
Comment: Has not been previously published as pathogenic or benign to our knowledge; In silico analysis is inconclusive as to whether the variant alters gene splicing. In the absence of RNA/functional studies, the actual effect of this sequence change is unknown.

Baylor Genetics
Classification: Uncertain significance for Bloom syndrome. Last evaluated: 2020-11-09. Review status: criteria provided, single submitter. Criteria: ACMG Guidelines, 2015. Collection method: clinical testing. Allele origin: unknown. Affected: yes. Study: CSER-TexasKidsCanSeq.
Comment: This variant was determined to be of uncertain significance according to ACMG Guidelines, 2015 [PMID:25741868].

PreventionGenetics, part of Exact Sciences
Classification: Likely benign for BLM-related condition. Last evaluated: 2020-12-04. Review status: no assertion criteria provided. Collection method: clinical testing. Allele origin: germline. Not counted in ClinVar's aggregate classification.
Comment: This variant is classified as likely benign based on ACMG/AMP sequence variant interpretation guidelines (Richards et al. 2015 PMID: 25741868, with internal and published modifications).

Natera, Inc.
Classification: Uncertain significance for Bloom syndrome. Last evaluated: 2018-05-01. Review status: no assertion criteria provided. Collection method: clinical testing. Allele origin: germline. Not counted in ClinVar's aggregate classification.

Counsyl
Classification: Uncertain significance for Bloom syndrome. Last evaluated: 2017-02-09. Review status: no assertion criteria provided. Collection method: clinical testing. Allele origin: unknown. Not counted in ClinVar's aggregate classification.

NM_000057.4(BLM):c.3210+4A>G

Gene: BLM (BLM RecQ like helicase; plus strand). Cytogenetic location: 15q26.1.
Variant type: single nucleotide variant.
Coding change: c.3210+4A>G on transcript NM_000057.4 (MANE Select); 4 bases into the intron after coding-DNA position 3210, A replaced by G.
Molecular consequence: intron variant.
Genome position (GRCh38, 1-based): chr15:90,794,361, A>G. VCF-style: chr15-90794361-A-G. GRCh37 (hg19) VCF-style: chr15-91337591-A-G.
Other names: c.3210+4A>G (LRG_20t1, NM_001287246.2, NM_001287247.2); c.2085+4A>G (NM_001287248.2).
Identifiers: ClinVar variation 236811 (VCV000236811.28), dbSNP rs776621429, ClinGen allele CA7738952.